The following is an entry in ClinVar:

NM_000057.4(BLM):c.1718A>T (p.Asn573Ile)

Gene: BLM (BLM RecQ like helicase; plus strand). Cytogenetic location: 15q26.1.
Variant type: single nucleotide variant.
Coding change: c.1718A>T on transcript NM_000057.4 (MANE Select); coding-DNA position 1718, A replaced by T.
Protein change: p.Asn573Ile; replaces asparagine 573 with isoleucine.
Molecular consequence: missense variant.
Genome position (GRCh38, 1-based): chr15:90,761,091, A>T. VCF-style: chr15-90761091-A-T. GRCh37 (hg19) VCF-style: chr15-91304321-A-T.
Other names: c.1718A>T, p.Asn573Ile (NM_001287246.2, NM_001287247.2); c.593A>T, p.Asn198Ile (NM_001287248.2); short protein forms N198I, N573I.
Identifiers: ClinVar variation 2452568 (VCV002452568.2), dbSNP rs2505428365, ClinGen allele CA393843699.

ClinVar aggregate classification (germline): Uncertain significance (1 of 4 stars; one submission).

Conditions:
Hereditary cancer-predisposing syndrome. Also called: Neoplastic Syndromes, Hereditary; Tumor predisposition; Hereditary neoplastic syndrome; Hereditary Cancer Syndrome. Identifiers: Orphanet 140162, MedGen C0027672, MeSH D009386, MONDO:0015356.

Submission:

Ambry Genetics
Classification: Uncertain significance for Hereditary cancer-predisposing syndrome. Last evaluated: 2023-02-18. Review status: criteria provided, single submitter. Criteria: Ambry Variant Classification Scheme 2023. Collection method: clinical testing. Allele origin: germline.
Comment: The p.N573I variant (also known as c.1718A>T), located in coding exon 6 of the BLM gene, results from an A to T substitution at nucleotide position 1718. The asparagine at codon 573 is replaced by isoleucine, an amino acid with dissimilar properties. This amino acid position is conserved. In addition, this alteration is predicted to be tolerated by in silico analysis. Since supporting evidence is limited at this time, the clinical significance of this alteration remains unclear.